The following is an entry in ClinVar:

ClinVar aggregate classification (germline): Uncertain significance (1 of 4 stars; one submission).

gnomAD v4.1: 1 of 1,614,010 alleles (0.000062%); highest among the groups gnomAD compares: African/African-American, 0.0013%; no homozygotes.

Submission:

Labcorp Genetics (formerly Invitae), Labcorp
Classification: Uncertain significance. Last evaluated: 2025-03-07. Review status: criteria provided, single submitter. Criteria: Invitae Variant Classification Sherloc (09022015). Collection method: clinical testing. Allele origin: germline.
Comment: This sequence change replaces threonine, which is neutral and polar, with serine, which is neutral and polar, at codon 949 of the ABCC8 protein (p.Thr949Ser). This variant is not present in population databases (gnomAD no frequency). This variant has not been reported in the literature in individuals affected with ABCC8-related conditions. Invitae Evidence Modeling of protein sequence and biophysical properties (such as structural, functional, and spatial information, amino acid conservation, physicochemical variation, residue mobility, and thermodynamic stability) indicates that this missense variant is not expected to disrupt ABCC8 protein function with a negative predictive value of 95%. In summary, the available evidence is currently insufficient to determine the role of this variant in disease. Therefore, it has been classified as a Variant of Uncertain Significance.

NM_000352.6(ABCC8):c.2845A>T (p.Thr949Ser)

Gene: ABCC8 (ATP binding cassette subfamily C member 8; minus strand). Cytogenetic location: 11p15.1.
Variant type: single nucleotide variant.
Coding change: c.2845A>T on transcript NM_000352.6 (MANE Select); coding-DNA position 2845, A replaced by T.
Protein change: p.Thr949Ser; replaces threonine 949 with serine.
Molecular consequence: missense variant. On other transcripts: non-coding transcript variant (1).
Genome position (GRCh38, 1-based): chr11:17,407,429, T>A on the plus strand (A>T on the coding strand, the complement: ABCC8 is on the minus strand). VCF-style: chr11-17407429-T-A. GRCh37 (hg19) VCF-style: chr11-17428976-T-A.
Other names: c.2848A>T, p.Thr950Ser (NM_001287174.3); c.2911A>T, p.Thr971Ser (NM_001351295.2); c.2845A>T, p.Thr949Ser (NM_001351296.2); c.2842A>T, p.Thr948Ser (NM_001351297.2); short protein forms T948S, T949S, T950S, T971S.
Identifiers: ClinVar variation 4765443 (VCV004765443.1).